The following is an entry in ClinVar:

ClinVar aggregate classification (germline): Pathogenic. Review status: criteria provided, multiple submitters, no conflicts (2 of 4 stars). 4 submissions from 4 submitters: Pathogenic (4). Last evaluated 2024-05-07.

Conditions:
SLC26A3-related disorder. Also called: SLC26A3-related condition.
Congenital secretory diarrhea, chloride type (DIAR1). Also called: CHLORIDE DIARRHEA, CONGENITAL, FINNISH TYPE; DIARRHEA 1, SECRETORY CHLORIDE, CONGENITAL; CHLORIDORRHEA, CONGENITAL. Identifiers: Orphanet 53689, MedGen C0267662, MONDO:0008964, OMIM 214700.

Allele frequency attached by ClinVar (database versions not stated): gnomAD exomes below 0.00001 and 0.00003; gnomAD 0.00001; TOPMed 0.00002.

Submissions (4):

Fulgent Genetics
Classification: Pathogenic for Congenital secretory diarrhea, chloride type. Last evaluated: 2024-05-07. Review status: criteria provided, single submitter. Criteria: ACMG Guidelines, 2015. Collection method: clinical testing. Allele origin: germline.

Labcorp Genetics (formerly Invitae), Labcorp
Classification: Pathogenic. Last evaluated: 2024-03-19. Review status: criteria provided, single submitter. Criteria: Invitae Variant Classification Sherloc (09022015). Collection method: clinical testing. Allele origin: germline.
Comment: This sequence change creates a premature translational stop signal (p.Leu205Argfs*28) in the SLC26A3 gene. It is expected to result in an absent or disrupted protein product. Loss-of-function variants in SLC26A3 are known to be pathogenic (PMID: 9718329, 21394828). This variant is present in population databases (no rsID available, gnomAD 0.004%). This premature translational stop signal has been observed in individuals with congenital chloride diarrhea (PMID: 28644346). ClinVar contains an entry for this variant (Variation ID: 1071195). For these reasons, this variant has been classified as Pathogenic.

Baylor Genetics
Classification: Pathogenic for Congenital secretory diarrhea, chloride type. Last evaluated: 2024-01-03. Review status: criteria provided, single submitter. Criteria: ACMG Guidelines, 2015. Collection method: clinical testing. Allele origin: unknown.

PreventionGenetics, part of Exact Sciences
Classification: Pathogenic for SLC26A3-related condition. Last evaluated: 2023-05-18. Review status: criteria provided, single submitter. Criteria: ACMG Guidelines, 2015. Collection method: clinical testing. Allele origin: germline.
Comment: The SLC26A3 c.614delT variant is predicted to result in a frameshift and premature protein termination (p.Leu205Argfs*28). This variant was reported in two compound heterozygous individuals with congenital chloride diarrhea (Supplement table, Amato et al. 2017. PubMed ID: 28644346). This variant is reported in 0.0040% of alleles in individuals of African descent in gnomAD. Frameshift variants in SLC26A3 are expected to be pathogenic. This variant is interpreted as pathogenic.

Literature cited by the submitters: PubMed 9718329 (cited by Labcorp Genetics (formerly Invitae), Labcorp); PubMed 21394828 (cited by Labcorp Genetics (formerly Invitae), Labcorp); PubMed 28644346 (cited by Labcorp Genetics (formerly Invitae), Labcorp).

NM_000111.3(SLC26A3):c.614del (p.Leu205fs)

Gene: SLC26A3 (solute carrier family 26 member 3; minus strand). Cytogenetic location: 7q22.3.
Variant type: Deletion.
Coding change: c.614del on transcript NM_000111.3 (MANE Select); coding-DNA position 614, one base deleted (T; older notation c.614delT).
Protein change: p.Leu205fs; shifts the reading frame from leucine 205.
Molecular consequence: frameshift variant.
Genome position (GRCh38, 1-based): chr7:107,789,645, A deleted on the plus strand (T on the coding strand, the reverse complement: SLC26A3 is on the minus strand). VCF-style (leftmost placement, unchanged base first): chr7-107789644-CA-C. GRCh37 (hg19) VCF-style: chr7-107430089-CA-C.
Other names: c.614delT (NM_000111.2); short protein forms L205fs.
Identifiers: ClinVar variation 1071195 (VCV001071195.11), dbSNP rs1264217866, ClinGen allele CA577039427.